The following is an entry in ClinVar:

NM_014244.5(ADAMTS2):c.804C>T (p.Ile268=)

Gene: ADAMTS2 (ADAM metallopeptidase with thrombospondin type 1 motif 2; minus strand). Cytogenetic location: 5q35.3.
Variant type: single nucleotide variant.
Coding change: c.804C>T on transcript NM_014244.5 (MANE Select); coding-DNA position 804, C replaced by T.
Protein change: p.Ile268=; no amino-acid change (isoleucine 268 retained).
Molecular consequence: synonymous variant.
Genome position (GRCh38, 1-based): chr5:179,207,600, G>A on the plus strand (C>T on the coding strand, the complement: ADAMTS2 is on the minus strand). VCF-style: chr5-179207600-G-A. GRCh37 (hg19) VCF-style: chr5-178634601-G-A.
Other names: c.804C>T, p.Ile268= (NM_021599.4); c.804C>T (NM_014244.4).
Identifiers: ClinVar variation 1604714 (VCV001604714.10), dbSNP rs200868191, ClinGen allele CA3596154.

ClinVar aggregate classification (germline): Likely benign. Review status: criteria provided, single submitter (1 of 4 stars). 2 submissions from 2 submitters: Likely benign (1). 1 of the submissions does not count toward it. Last evaluated 2025-09-01.

Conditions:
ADAMTS2-related disorder. Also called: ADAMTS2-related condition.
Ehlers-Danlos syndrome, dermatosparaxis type. Also called: EDS VIIC; Dermatosparaxis; Ehlers-Danlos syndrome, type VII, autosomal recessive. Identifiers: Orphanet 1901, MedGen C2700425, MONDO:0009161, OMIM 225410.

Allele frequency attached by ClinVar (database versions not stated): gnomAD 0.00001 and 0.00002; gnomAD exomes 0.00001; ExAC 0.00002; TOPMed 0.00002.
gnomAD v4.1: 18 of 1,613,668 alleles (0.0011%); highest among the groups gnomAD compares: South Asian, 0.0066%; no homozygotes.

Submissions (2):

Labcorp Genetics (formerly Invitae), Labcorp
Classification: Likely benign for Ehlers-Danlos syndrome, dermatosparaxis type. Last evaluated: 2025-09-01. Review status: criteria provided, single submitter. Criteria: Invitae Variant Classification Sherloc (09022015). Collection method: clinical testing. Allele origin: germline.

PreventionGenetics, part of Exact Sciences
Classification: Likely benign for ADAMTS2-related condition. Last evaluated: 2023-05-15. Review status: no assertion criteria provided. Collection method: clinical testing. Allele origin: germline. Not counted in ClinVar's aggregate classification.
Comment: This variant is classified as likely benign based on ACMG/AMP sequence variant interpretation guidelines (Richards et al. 2015 PMID: 25741868, with internal and published modifications).